The following is an entry in ClinVar:

ClinVar aggregate classification (germline): Benign (3 of 4 stars; one submission).

Conditions:
Breast-ovarian cancer, familial, susceptibility to, 2 (BROVCA2). Also called: BRCA2 Hereditary Breast and Ovarian Cancer. Identifiers: Orphanet 145, MedGen C2675520, MONDO:0012933, OMIM 612555. Disease mechanism: loss of function.

Submission:

Evidence-based Network for the Interpretation of Germline Mutant Alleles (ENIGMA)
Classification: Benign for Breast-ovarian cancer, familial, susceptibility to, 2. Last evaluated: 2016-09-28. Review status: reviewed by expert panel. Criteria: ENIGMA BRCA1/2 Classification Criteria (2015). Collection method: curation. Allele origin: germline.
Comment: Class 1 not pathogenic based on frequency >1% in an outbred sampleset. Frequency 0.4881 (European), 0.5204 (African), 0.4856 (Admixed American/Latino), 0.5139 (East Asian), 0.4335 (South Asian), derived from 1000 genomes (2013-05-02).

NM_000059.4(BRCA2):c.8633-1093dup

Gene: BRCA2 (BRCA2 DNA repair associated; plus strand). Cytogenetic location: 13q13.1.
Variant type: Duplication.
Coding change: c.8633-1093dup on transcript NM_000059.4 (MANE Select); 1093 bases into the intron before coding-DNA position 8633, one base duplicated (T; older notation c.8633-1093dupT).
Molecular consequence: intron variant.
Genome position (GRCh38, 1-based): chr13:32,375,577, T duplicated; the last of 14 consecutive T bases (chr13:32,375,564-32,375,577); duplicating any one gives the same sequence. VCF-style (leftmost placement, unchanged base first): chr13-32375563-C-CT. GRCh37 (hg19) VCF-style: chr13-32949700-C-CT.
Identifiers: ClinVar variation 264901 (VCV000264901.1), dbSNP rs398022219, ClinGen allele CA10588147.